The following is an entry in ClinVar:

ClinVar aggregate classification (germline): Uncertain significance. Review status: criteria provided, multiple submitters, no conflicts (2 of 4 stars). 3 submissions from 3 submitters: Uncertain significance (3). Last evaluated 2024-01-30.

Conditions:
Inborn genetic diseases. Identifiers: MedGen C0950123, MeSH D030342.
Epilepsy, idiopathic generalized, susceptibility to, 11 (EIG11). Identifiers: Orphanet 307, MedGen C2750893, MONDO:0011875, OMIM 607628.
Familial hyperaldosteronism type II. Also called: FH II. Identifiers: Orphanet 404, MedGen C1854107, MONDO:0011576, OMIM 605635.
Leukoencephalopathy with mild cerebellar ataxia and white matter edema (LKPAT). Also called: CLCN2-Related Leukoencephalopathy; Leukoencephalopathy with white matter edema; Brain white matter edema; Leukoencephalopathy with ataxia. Identifiers: Orphanet 363540, MedGen C4554120, MONDO:0014292, OMIM 615651. Disease mechanism: loss of function.

Allele frequency attached by ClinVar (database versions not stated): ExAC 0.00001; gnomAD exomes 0.00001.

Submissions (3):

Fulgent Genetics
Classification: Uncertain significance for Familial hyperaldosteronism type II; Epilepsy, idiopathic generalized, susceptibility to, 11; Leukoencephalopathy with mild cerebellar ataxia and white matter edema. Last evaluated: 2024-01-30. Review status: criteria provided, single submitter. Criteria: ACMG Guidelines, 2015. Collection method: clinical testing. Allele origin: germline.

Labcorp Genetics (formerly Invitae), Labcorp
Classification: Uncertain significance. Last evaluated: 2023-03-29. Review status: criteria provided, single submitter. Criteria: Invitae Variant Classification Sherloc (09022015). Collection method: clinical testing. Allele origin: germline.
Comment: This variant has not been reported in the literature in individuals affected with CLCN2-related conditions. This variant is present in population databases (rs777420720, gnomAD 0.007%). This sequence change replaces arginine, which is basic and polar, with tryptophan, which is neutral and slightly polar, at codon 66 of the CLCN2 protein (p.Arg66Trp). In summary, the available evidence is currently insufficient to determine the role of this variant in disease. Therefore, it has been classified as a Variant of Uncertain Significance. Advanced modeling of protein sequence and biophysical properties (such as structural, functional, and spatial information, amino acid conservation, physicochemical variation, residue mobility, and thermodynamic stability) performed at Invitae indicates that this missense variant is not expected to disrupt CLCN2 protein function.

Ambry Genetics
Classification: Uncertain significance for Inborn genetic diseases. Last evaluated: 2023-03-28. Review status: criteria provided, single submitter. Criteria: Ambry Variant Classification Scheme 2023. Collection method: clinical testing. Allele origin: germline.

NM_004366.6(CLCN2):c.196C>T (p.Arg66Trp)

Gene: CLCN2 (chloride voltage-gated channel 2; minus strand). Cytogenetic location: 3q27.1.
Variant type: single nucleotide variant.
Coding change: c.196C>T on transcript NM_004366.6 (MANE Select); coding-DNA position 196, C replaced by T.
Protein change: p.Arg66Trp; replaces arginine 66 with tryptophan.
Molecular consequence: missense variant.
Genome position (GRCh38, 1-based): chr3:184,358,999, G>A on the plus strand (C>T on the coding strand, the complement: CLCN2 is on the minus strand). VCF-style: chr3-184358999-G-A. GRCh37 (hg19) VCF-style: chr3-184076787-G-A.
Other names: c.196C>T, p.Arg66Trp (NM_001171087.3, NM_001171088.3, NM_001171089.3); short protein forms R66W.
Identifiers: ClinVar variation 2516052 (VCV002516052.6), dbSNP rs777420720, ClinGen allele CA2734588.